The following is an entry in ClinVar:

NM_133433.4(NIPBL):c.2354A>T (p.Asp785Val)

Gene: NIPBL (NIPBL cohesin loading factor; plus strand). Cytogenetic location: 5p13.2.
Variant type: single nucleotide variant.
Coding change: c.2354A>T on transcript NM_133433.4 (MANE Select); coding-DNA position 2354, A replaced by T.
Protein change: p.Asp785Val; replaces aspartic acid 785 with valine.
Molecular consequence: missense variant.
Genome position (GRCh38, 1-based): chr5:36,985,534, A>T. VCF-style: chr5-36985534-A-T. GRCh37 (hg19) VCF-style: chr5-36985636-A-T.
Other names: c.2354A>T, p.Asp785Val (NM_001438586.1, NM_015384.5); short protein forms D785V.
Identifiers: ClinVar variation 4802723 (VCV004802723.1).
Genomic context (GRCh38, chr5:36,985,534, plus strand): 5'-GGAGGGATTCTGGAAAGCCATCTACAGAGAAAAAACCTGAAGTGTCTAAACATAAACAAG[A>T]TACTAAATCTGACTCACCTCGGTTAAAATCAGAACGAGCTGAAGCCTTAAAGCAGAGACC-3'
Protein context (NP_597677.2, residues 775-795): KKPEVSKHKQ[Asp785Val]TKSDSPRLKS

ClinVar aggregate classification (germline): Uncertain significance (1 of 4 stars; one submission).

Conditions:
Cornelia de Lange syndrome 1 (CDLS1). Also called: TYPUS DEGENERATIVUS AMSTELODAMENSIS; Brachmann de Lange syndrome; NIPBL-Related Cornelia de Lange Syndrome. Identifiers: Orphanet 199, MedGen C4551851, MONDO:0007387, OMIM 122470.

gnomAD v4.1: 2 of 1,613,770 alleles (0.00012%); highest among the groups gnomAD compares: Non-Finnish European, 0.00017%; no homozygotes.

Submission:

Labcorp Genetics (formerly Invitae), Labcorp
Classification: Uncertain significance for Cornelia de Lange syndrome 1. Last evaluated: 2025-04-10. Review status: criteria provided, single submitter. Criteria: Invitae Variant Classification Sherloc (09022015). Collection method: clinical testing. Allele origin: germline.
Comment: This sequence change replaces aspartic acid, which is acidic and polar, with valine, which is neutral and non-polar, at codon 785 of the NIPBL protein (p.Asp785Val). This variant is present in population databases (no rsID available, gnomAD no frequency). This variant has not been reported in the literature in individuals affected with NIPBL-related conditions. Invitae Evidence Modeling of protein sequence and biophysical properties (such as structural, functional, and spatial information, amino acid conservation, physicochemical variation, residue mobility, and thermodynamic stability) has been performed for this missense variant. However, the output from this modeling did not meet the statistical confidence thresholds required to predict the impact of this variant on NIPBL protein function. In summary, the available evidence is currently insufficient to determine the role of this variant in disease. Therefore, it has been classified as a Variant of Uncertain Significance.